The following is an entry in ClinVar:

ClinVar aggregate classification (germline): Uncertain significance. Review status: criteria provided, multiple submitters, no conflicts (2 of 4 stars). 2 submissions from 2 submitters: Uncertain significance (2). Last evaluated 2025-05-31.

Conditions:
Hereditary cancer-predisposing syndrome. Also called: Tumor predisposition; Hereditary neoplastic syndrome; Neoplastic Syndromes, Hereditary; Hereditary Cancer Syndrome. Identifiers: Orphanet 140162, MedGen C0027672, MeSH D009386, MONDO:0015356.

Allele frequency attached by ClinVar (database versions not stated): gnomAD 0.00001.
gnomAD v4.1: 1 of 1,612,950 alleles (0.000062%); highest among the groups gnomAD compares: African/African-American, 0.0013%; no homozygotes.

Submissions (2):

Ambry Genetics
Classification: Uncertain significance for Hereditary cancer-predisposing syndrome. Last evaluated: 2025-05-31. Review status: criteria provided, single submitter. Criteria: Ambry Variant Classification Scheme 2023. Collection method: clinical testing. Allele origin: germline.
Comment: The p.T739A variant (also known as c.2215A>G), located in coding exon 15 of the CTNNA1 gene, results from an A to G substitution at nucleotide position 2215. The threonine at codon 739 is replaced by alanine, an amino acid with similar properties. This amino acid position is conserved. In addition, the in silico prediction for this alteration is inconclusive. Since supporting evidence is limited at this time, the clinical significance of this alteration remains unclear.

Labcorp Genetics (formerly Invitae), Labcorp
Classification: Uncertain significance. Last evaluated: 2020-11-25. Review status: criteria provided, single submitter. Criteria: Invitae Variant Classification Sherloc (09022015). Collection method: clinical testing. Allele origin: germline.
Comment: In summary, the available evidence is currently insufficient to determine the role of this variant in disease. Therefore, it has been classified as a Variant of Uncertain Significance. Algorithms developed to predict the effect of missense changes on protein structure and function are either unavailable or do not agree on the potential impact of this missense change (SIFT: "Deleterious"; PolyPhen-2: "Possibly Damaging"; Align-GVGD: "Class C0"). This sequence change replaces threonine with alanine at codon 739 of the CTNNA1 protein (p.Thr739Ala). The threonine residue is highly conserved and there is a small physicochemical difference between threonine and alanine. This variant is not present in population databases (ExAC no frequency). This variant has not been reported in the literature in individuals with CTNNA1-related conditions.

NM_001903.5(CTNNA1):c.2215A>G (p.Thr739Ala)

Gene: CTNNA1 (catenin alpha 1; plus strand). Cytogenetic location: 5q31.2.
Variant type: single nucleotide variant.
Coding change: c.2215A>G on transcript NM_001903.5 (MANE Select); coding-DNA position 2215, A replaced by G.
Protein change: p.Thr739Ala; replaces threonine 739 with alanine.
Molecular consequence: missense variant.
Genome position (GRCh38, 1-based): chr5:138,930,852, A>G. VCF-style: chr5-138930852-A-G. GRCh37 (hg19) VCF-style: chr5-138266541-A-G.
Other names: c.2215A>G, p.Thr739Ala (NM_001290307.3, NM_001323982.2, NM_001323983.1 and 2 more transcripts); c.1906A>G, p.Thr636Ala (NM_001290309.3); c.1846A>G, p.Thr616Ala (NM_001290310.3); c.1105A>G, p.Thr369Ala (NM_001290312.1, NM_001323987.1, NM_001323988.1 and 17 more transcripts); c.2122A>G, p.Thr708Ala (NM_001323986.2); c.766A>G, p.Thr256Ala (NM_001324006.1, NM_001324007.1, NM_001324008.1 and 2 more transcripts); c.1012A>G, p.Thr338Ala (NM_001324011.1); c.862A>G, p.Thr288Ala (NM_001324012.1, NM_001324013.1); short protein forms T256A, T636A, T708A, T338A, T616A, T739A, T288A, T369A.
Identifiers: ClinVar variation 1425876 (VCV001425876.11), dbSNP rs1263577703, ClinGen allele CA361133794.